The following is an entry in ClinVar:

NM_015896.4(ZMYND10):c.183_187del (p.Leu62fs)

Gene: ZMYND10 (zinc finger MYND-type containing 10; minus strand). Cytogenetic location: 3p21.31.
Variant type: Deletion.
Coding change: c.183_187del on transcript NM_015896.4 (MANE Select); coding-DNA positions 183 to 187, 5 bases deleted (GCTGG; older notation c.183_187delGCTGG).
Protein change: p.Leu62fs; shifts the reading frame from leucine 62.
Molecular consequence: frameshift variant.
Genome position (GRCh38, 1-based): chr3:50,345,138-50,345,142, CCAGC deleted on the plus strand (GCTGG on the coding strand, the reverse complement: ZMYND10 is on the minus strand). VCF-style (leftmost placement, unchanged base first): chr3-50345137-ACCAGC-A. GRCh37 (hg19) VCF-style: chr3-50382568-ACCAGC-A.
Other names: c.183_187del, p.Leu62fs (NM_001308379.2); short protein forms L62fs.
Identifiers: ClinVar variation 2040520 (VCV002040520.6), dbSNP rs1415036829, ClinGen allele CA542854448.

ClinVar aggregate classification (germline): Pathogenic/Likely pathogenic. Review status: criteria provided, multiple submitters, no conflicts (2 of 4 stars). 3 submissions from 2 submitters: Pathogenic (2); Likely pathogenic (1). Last evaluated 2026-04-01.

Conditions:
Primary ciliary dyskinesia. Also called: Ciliary dyskinesia. Identifiers: Orphanet 244, MedGen C0008780, MONDO:0016575, HP:0012265.
Primary ciliary dyskinesia 22. Also called: CILIARY DYSKINESIA, PRIMARY, 22, WITH OR WITHOUT SITUS INVERSUS. Identifiers: Orphanet 244, MedGen C3809543, MONDO:0014192, OMIM 615444.

Allele frequency attached by ClinVar (database versions not stated): gnomAD exomes 0.00001; TOPMed 0.00001.

Submissions (3):

Department of Human Genetics, Hannover Medical School
Classification: Pathogenic for Primary Ciliary Dyskinesia. Last evaluated: 2026-04-01. Review status: criteria provided, single submitter. Criteria: ACMG Guidelines, 2015. Collection method: research. Allele origin: germline. Affected: yes.
Comment: Classification performed by HerediClassify using the following criteria:['PM2_supporting: Variant occures does not occur as homozygous in gnomAD.', 'PVS1_protein_very_strong: Transcript ENST00000231749 is predicted to undergo NMD.', "PP4_moderate: The PICADAR socre of 10.0 exceeds threshold of 8 achieving 'strong' evidence strength."]

Labcorp Genetics (formerly Invitae), Labcorp
Classification: Pathogenic for Primary ciliary dyskinesia. Last evaluated: 2025-10-08. Review status: criteria provided, single submitter. Criteria: Invitae Variant Classification Sherloc (09022015). Collection method: clinical testing. Allele origin: germline.
Comment: This sequence change creates a premature translational stop signal (p.Leu62Hisfs*65) in the ZMYND10 gene. It is expected to result in an absent or disrupted protein product. Loss-of-function variants in ZMYND10 are known to be pathogenic (PMID: 23891469, 23891471). This variant is present in population databases (no rsID available, gnomAD 0.0009%). This variant has not been reported in the literature in individuals affected with ZMYND10-related conditions. ClinVar contains an entry for this variant (Variation ID: 2040520). For these reasons, this variant has been classified as Pathogenic.

Department of Human Genetics, Hannover Medical School
Classification: Likely pathogenic for Primary ciliary dyskinesia 22. Last evaluated: 2024-07-23. Review status: criteria provided, single submitter. Criteria: ACMG Guidelines, 2015. Collection method: clinical testing. Allele origin: germline. Inheritance: Autosomal recessive inheritance. Affected: yes.

Literature cited by the submitters: PubMed 23891469 (cited by Labcorp Genetics (formerly Invitae), Labcorp); PubMed 23891471 (cited by Labcorp Genetics (formerly Invitae), Labcorp).